The following is an entry in ClinVar:

NM_001367561.1(DOCK7):c.3935C>T (p.Thr1312Met)

Gene: DOCK7 (dedicator of cytokinesis 7; minus strand). Cytogenetic location: 1p31.3.
Variant type: single nucleotide variant.
Coding change: c.3935C>T on transcript NM_001367561.1 (MANE Select); coding-DNA position 3935, C replaced by T.
Protein change: p.Thr1312Met; replaces threonine 1312 with methionine.
Molecular consequence: missense variant.
Genome position (GRCh38, 1-based): chr1:62,528,152, G>A on the plus strand (C>T on the coding strand, the complement: DOCK7 is on the minus strand). VCF-style: chr1-62528152-G-A. GRCh37 (hg19) VCF-style: chr1-62993823-G-A.
Other names: p.Thr1312Met; c.3842C>T (NM_033407.3); c.3935C>T, p.Thr1312Met (NM_001271999.2, NM_001330614.2); c.3842C>T, p.Thr1281Met (NM_001272000.2, NM_001272001.2, NM_033407.4); short protein forms T1281M, T1312M.
Identifiers: ClinVar variation 541927 (VCV000541927.40), dbSNP rs59558623, ClinGen allele CA885849.

ClinVar aggregate classification (germline): Conflicting classifications of pathogenicity. Review status: criteria provided, conflicting classifications (1 of 4 stars). 10 submissions from 10 submitters: Uncertain significance (2); Likely benign (7). 1 of the submissions does not count toward it. Last evaluated 2026-03-10.

Conditions:
Developmental and epileptic encephalopathy, 23 (DEE23). Also called: Epileptic encephalopathy, early infantile, 23. Identifiers: Orphanet 411986, MedGen C4014492, MONDO:0014371, OMIM 615859.
DOCK7-related disorder. Also called: DOCK7-related condition.

Allele frequency attached by ClinVar (database versions not stated): gnomAD 0.00125 and 0.00113; TOPMed 0.00134; 1000 Genomes Project 0.00240; 1000 Genomes Project 30x 0.00250; gnomAD exomes 0.00013 and 0.00030; ExAC 0.00042; ESP Exome Variant Server 0.00085.
gnomAD v4.1: 368 of 1,607,520 alleles (0.023%); highest among the groups gnomAD compares: African/African-American, 0.43%; 1 homozygote.

Submissions (10):

Women's Health and Genetics/Laboratory Corporation of America, LabCorp
Classification: Likely benign. Last evaluated: 2026-03-10. Review status: criteria provided, single submitter. Criteria: LabCorp Variant Classification Summary - May 2015. Collection method: clinical testing. Allele origin: germline.
Comment: Variant summary: DOCK7 c.3842C>T (p.Thr1281Met) results in a non-conservative amino acid change in the encoded protein sequence. Algorithms developed to predict the effect of missense changes on protein structure and function are either unavailable or do not agree on the potential impact of this missense change. Consensus agreement among computation tools predict no significant impact on normal splicing. However, these predictions have yet to be confirmed by functional studies. The variant allele was found at a frequency of 0.0003 in 246376 control chromosomes, predominantly at a frequency of 0.0039 within the African or African-American subpopulation in the gnomAD database. The observed variant frequency within African or African-American control individuals in the gnomAD database exceeds the estimated maximal expected allele frequency for disease-causing variants in DOCK7. To our knowledge, no occurrence of c.3842C>T in individuals affected with DOCK7-related conditions and no experimental evidence demonstrating its impact on protein function have been reported. ClinVar contains an entry for this variant (Variation ID: 541927). Based on the evidence outlined above, the variant was classified as likely benign.

Labcorp Genetics (formerly Invitae), Labcorp
Classification: Likely benign for Developmental and epileptic encephalopathy, 23. Last evaluated: 2026-01-26. Review status: criteria provided, single submitter. Criteria: Invitae Variant Classification Sherloc (09022015). Collection method: clinical testing. Allele origin: germline.

Blueprint Genetics
Classification: Uncertain significance. Last evaluated: 2024-11-11. Review status: criteria provided, single submitter. Criteria: ACMG Guidelines, 2015. Collection method: clinical testing. Allele origin: germline.

Athena Diagnostics
Classification: Likely benign. Last evaluated: 2024-06-06. Review status: criteria provided, single submitter. Criteria: Athena Diagnostics Criteria. Collection method: clinical testing. Allele origin: unknown.

CeGaT Center for Human Genetics Tuebingen
Classification: Likely benign. Last evaluated: 2024-05-01. Review status: criteria provided, single submitter. Criteria: CeGaT Center For Human Genetics Tuebingen Variant Classification Criteria Version 2. Collection method: clinical testing. Allele origin: germline. Affected: yes. Observed: 1 variant allele.
Comment: DOCK7: BP4

Genome-Nilou Lab
Classification: Likely benign for Developmental and epileptic encephalopathy, 23. Last evaluated: 2023-04-11. Review status: criteria provided, single submitter. Criteria: ACMG Guidelines, 2015. Collection method: clinical testing. Allele origin: germline. Affected: no.

Mayo Clinic Laboratories, Mayo Clinic
Classification: Uncertain significance. Last evaluated: 2022-07-22. Review status: criteria provided, single submitter. Criteria: ACMG Guidelines, 2015. Collection method: clinical testing. Allele origin: germline. Observed: 2 variant alleles.
Comment: BP4, PM2

GeneDx
Classification: Likely benign. Last evaluated: 2021-04-29. Review status: criteria provided, single submitter. Criteria: GeneDx Variant Classification Process June 2021. Collection method: clinical testing. Allele origin: germline. Affected: yes.

Breakthrough Genomics
Classification: Likely benign. Review status: criteria provided, single submitter. Criteria: ACMG Guidelines, 2015. Collection method: not provided. Allele origin: germline. Inheritance: Autosomal recessive inheritance. Affected: yes.

PreventionGenetics, part of Exact Sciences
Classification: Likely benign for DOCK7-related condition. Last evaluated: 2019-12-26. Review status: no assertion criteria provided. Collection method: clinical testing. Allele origin: germline. Not counted in ClinVar's aggregate classification.
Comment: This variant is classified as likely benign based on ACMG/AMP sequence variant interpretation guidelines (Richards et al. 2015 PMID: 25741868, with internal and published modifications).